The following is an entry in ClinVar:

NM_000179.3(MSH6):c.4016C>G (p.Ala1339Gly)

Gene: MSH6 (mutS homolog 6; plus strand). Cytogenetic location: 2p16.3.
Variant type: single nucleotide variant.
Coding change: c.4016C>G on transcript NM_000179.3 (MANE Select); coding-DNA position 4016, C replaced by G.
Protein change: p.Ala1339Gly; replaces alanine 1339 with glycine.
Molecular consequence: missense variant. On other transcripts: 3 prime UTR variant (1), synonymous variant (4), non-coding transcript variant (5).
Genome position (GRCh38, 1-based): chr2:47,806,793, C>G. VCF-style: chr2-47806793-C-G. GRCh37 (hg19) VCF-style: chr2-48033932-C-G.
Other names: c.3626C>G, p.Ala1209Gly (NM_001281492.2); c.3110C>G, p.Ala1037Gly (NM_001281493.2, NM_001281494.2, NM_001406811.1 and 6 more transcripts); c.4112C>G, p.Ala1371Gly (NM_001406795.1); c.4016C>G, p.Ala1339Gly (NM_001406796.1, NM_001406809.1); c.3719C>G, p.Ala1240Gly (NM_001406797.1, NM_001406805.1, NM_001406818.1 and 8 more transcripts); c.3842C>G, p.Ala1281Gly (NM_001406798.1); c.3491C>G, p.Ala1164Gly (NM_001406799.1, NM_001406806.1, NM_001406807.1); c.*37C>G (NM_001406800.1); and 11 more; short protein forms A1037G, A1240G, A1313G, A1339G, A1051G, A1164G, A654G, A817G.
Identifiers: ClinVar variation 2609650 (VCV002609650.6), dbSNP rs528399386, ClinGen allele CA072803.

ClinVar aggregate classification (germline): Conflicting classifications of pathogenicity. Review status: criteria provided, conflicting classifications (1 of 4 stars). 3 submissions from 3 submitters: Uncertain significance (2); Likely benign (1). Last evaluated 2025-07-03.

Conditions:
Hereditary cancer-predisposing syndrome. Also called: Tumor predisposition; Hereditary Cancer Syndrome; Hereditary neoplastic syndrome; Neoplastic Syndromes, Hereditary. Identifiers: Orphanet 140162, MedGen C0027672, MeSH D009386, MONDO:0015356.
Hereditary nonpolyposis colorectal neoplasms. Identifiers: MedGen C0009405, MeSH D003123.

Allele frequency attached by ClinVar (database versions not stated): gnomAD exomes below 0.00001; ExAC 0.00001; gnomAD 0.00001; 1000 Genomes Project 30x 0.00016; 1000 Genomes Project 0.00020.
gnomAD v4.1: 5 of 1,595,222 alleles (0.00031%); highest among the groups gnomAD compares: South Asian, 0.0045%; no homozygotes.

Submissions (3):

Color Diagnostics, LLC DBA Color Health
Classification: Uncertain significance for Hereditary cancer-predisposing syndrome. Last evaluated: 2025-07-03. Review status: criteria provided, single submitter. Criteria: ACMG Guidelines, 2015. Collection method: clinical testing. Allele origin: germline.
Comment: This missense variant replaces alanine with glycine at codon 1339 of the MSH6 protein. Computational prediction suggests that this variant may not impact protein structure and function. To our knowledge, functional studies have not been reported for this variant. This variant has not been reported in individuals affected with MSH6-related disorders in the literature. This variant has been identified in 1/247694 chromosomes in the general population by the Genome Aggregation Database (gnomAD). The available evidence is insufficient to determine the role of this variant in disease conclusively. Therefore, this variant is classified as a Variant of Uncertain Significance.

Labcorp Genetics (formerly Invitae), Labcorp
Classification: Likely benign for Hereditary nonpolyposis colorectal neoplasms. Last evaluated: 2024-07-03. Review status: criteria provided, single submitter. Criteria: Invitae Variant Classification Sherloc (09022015). Collection method: clinical testing. Allele origin: germline.

Ambry Genetics
Classification: Uncertain significance for Hereditary cancer-predisposing syndrome. Last evaluated: 2023-09-11. Review status: criteria provided, single submitter. Criteria: Ambry Variant Classification Scheme 2023. Collection method: clinical testing. Allele origin: germline.
Comment: The p.A1339G variant (also known as c.4016C>G), located in coding exon 10 of the MSH6 gene, results from a C to G substitution at nucleotide position 4016. The alanine at codon 1339 is replaced by glycine, an amino acid with similar properties. This amino acid position is not well conserved in available vertebrate species. In addition, the in silico prediction for this alteration is inconclusive. Since supporting evidence is limited at this time, the clinical significance of this alteration remains unclear.